The following is an entry in ClinVar:

NM_000512.5(GALNS):c.722C>A (p.Ala241Asp)

Gene: GALNS (galactosamine (N-acetyl)-6-sulfatase; minus strand). Cytogenetic location: 16q24.3.
Variant type: single nucleotide variant.
Coding change: c.722C>A on transcript NM_000512.5 (MANE Select); coding-DNA position 722, C replaced by A.
Protein change: p.Ala241Asp; replaces alanine 241 with aspartic acid.
Molecular consequence: missense variant.
Genome position (GRCh38, 1-based): chr16:88,835,761, G>T on the plus strand (C>A on the coding strand, the complement: GALNS is on the minus strand). VCF-style: chr16-88835761-G-T. GRCh37 (hg19) VCF-style: chr16-88902169-G-T.
Other names: c.167C>A, p.Ala56Asp (NM_001323543.2); c.740C>A, p.Ala247Asp (NM_001323544.2); short protein forms A241D, A247D, A56D.
Identifiers: ClinVar variation 1048207 (VCV001048207.3), dbSNP rs2143001386, ClinGen allele CA397080144.

ClinVar aggregate classification (germline): Uncertain significance (1 of 4 stars; one submission).

Conditions:
Mucopolysaccharidosis, MPS-IV-A (MPS4A). Also called: Mucopolysaccharidosis type IV A; Mucopolysaccharidosis Type IVA; Morquio syndrome A, mild; MORQUIO SYNDROME A; MPS IVA; mucopolysaccharidosis type 4A. Identifiers: Orphanet 309297, Orphanet 582, MedGen C0086651, MONDO:0009659, OMIM 253000.

Submission:

Laboratory of Diagnosis and Therapy of Lysosomal Disorders, University of Padova
Classification: Uncertain significance for Mucopolysaccharidosis, MPS-IV-A. Last evaluated: 2021-02-01. Review status: criteria provided, single submitter. Criteria: ACMG Guidelines, 2015. Collection method: research. Allele origin: germline. Affected: yes.
Comment: In vivo functional studies supportive of a damaging effect on the gene product (low to null enzymatic activity in homozygotes; PS3_supporting); absent from gnomAD v2.1.1 (PM2_moderate); multiple lines of computational evidence support a deleterious effect on the gene (PP3_supporting)

Literature cited by the submitters: PubMed 34387910.